The following is an entry in ClinVar:

ClinVar aggregate classification (germline): Likely pathogenic (1 of 4 stars; one submission).

Conditions:
Primary dilated cardiomyopathy (DCM). Also called: Dilated Cardiomyopathy. Identifiers: Orphanet 217604, MedGen C0007193, MeSH D002311, MONDO:0005021, HP:0001644. Inheritance: Various modes of inheritance.

Submission:

Cardiovascular Biomedical Research Unit, Royal Brompton & Harefield NHS Foundation Trust
Classification: Likely pathogenic for Primary dilated cardiomyopathy. Last evaluated: 2014-10-08. Review status: criteria provided, single submitter. Criteria: Roberts et al. 2015. Collection method: research. Allele origin: germline. Inheritance: Autosomal dominant inheritance. Affected: yes. Observed: 1 variant allele. Study: Unselected DCM.
Comment: In the seven cohorts assessed, TTNtv were found in 14% of ambulant DCM, 22% end-stage or familial DCM, and 2% controls. Heterozygous nonsense, frameshift and canonical splice-disrupting variants found in constitutive and other highly utilised exons are highly likely to be pathogenic when identified in individuals with phenotypically confirmed DCM. TTNtv found incidentally in healthy individuals (excluding familial assessment of DCM relatives) are thought to have low penetrance, particularly when identified in exons that are not constitutively expressed in the heart.

NM_001267550.2(TTN):c.45812T>G (p.Leu15271Ter)

Gene: TTN (titin; minus strand). Cytogenetic location: 2q31.2.
Variant type: single nucleotide variant.
Coding change: c.45812T>G on transcript NM_001267550.2 (MANE Select); coding-DNA position 45812, T replaced by G.
Protein change: p.Leu15271Ter; replaces leucine 15271 with a stop codon.
Molecular consequence: nonsense.
Genome position (GRCh38, 1-based): chr2:178,620,798, A>C on the plus strand (T>G on the coding strand, the complement: TTN is on the minus strand). VCF-style: chr2-178620798-A-C. GRCh37 (hg19) VCF-style: chr2-179485525-A-C.
Other names: c.40889T>G, p.Leu13630Ter (NM_001256850.1); c.18617T>G, p.Leu6206Ter (NM_003319.4); c.38108T>G, p.Leu12703Ter (NM_133378.4); c.18992T>G, p.Leu6331Ter (NM_133432.3); c.19193T>G, p.Leu6398Ter (NM_133437.4); c.45812T>G (LRG_391t1); short protein forms L15271*, L6331*, L6398*, L6206*, L12703*, L13630*.
Identifiers: ClinVar variation 223276 (VCV000223276.1), dbSNP rs869312046, ClinGen allele CA353342.